The following is an entry in ClinVar:

NC_000019.9:g.(?_54621659)_(54622033_?)del

Gene: PRPF31 (pre-mRNA processing factor 31; plus strand). Cytogenetic location: 19q13.42.
Variant type: Deletion.
Identifiers: ClinVar variation 1458118 (VCV001458118.6).

ClinVar aggregate classification (germline): Pathogenic (1 of 4 stars; one submission).

Submission:

Labcorp Genetics (formerly Invitae), Labcorp
Classification: Pathogenic. Last evaluated: 2024-01-17. Review status: criteria provided, single submitter. Criteria: Invitae Variant Classification Sherloc (09022015). Collection method: clinical testing. Allele origin: germline.
Comment: This variant is a gross deletion of the genomic region encompassing exon(s) 2-3 of the PRPF31 gene, which includes the initiator codon. This deletion extends beyond the assayed region for this gene and therefore may encompass additional genes. It is expected to result in an absent or disrupted protein product. Loss-of-function variants in PRPF31 are known to be pathogenic (PMID: 18317597, 23950152). A similar copy number variant has been observed in individual(s) with retinitis pigmentosa (Invitae). For these reasons, this variant has been classified as Pathogenic.

Literature cited by the submitters: PubMed 18317597; PubMed 23950152.